The following is an entry in ClinVar:

NM_005327.7(HADH):c.112A>G (p.Met38Val)

Gene: HADH (hydroxyacyl-CoA dehydrogenase; plus strand). Cytogenetic location: 4q25.
Variant type: single nucleotide variant.
Coding change: c.112A>G on transcript NM_005327.7 (MANE Select); coding-DNA position 112, A replaced by G.
Protein change: p.Met38Val; replaces methionine 38 with valine.
Molecular consequence: missense variant.
Genome position (GRCh38, 1-based): chr4:107,990,044, A>G. VCF-style: chr4-107990044-A-G. GRCh37 (hg19) VCF-style: chr4-108911200-A-G.
Other names: c.112A>G, p.Met38Val (NM_001184705.4); short protein forms M38V.
Identifiers: ClinVar variation 1049966 (VCV001049966.1), dbSNP rs1734727324, ClinGen allele CA357828996.
Genomic context (GRCh38, chr4:107,990,044, plus strand): 5'-GCCTCGGCCTCGGCCAAGAAGATAATCGTCAAGCACGTGACGGTCATCGGCGGCGGGCTG[A>G]TGGGCGCCGGCATTGCCCAGGTGAGCGGCCCTCCCTGCAGCGTGCCCACGCGCTTGGCCG-3'
Protein context (NP_005318.6, residues 28-48): KHVTVIGGGL[Met38Val]GAGIAQVAAA

ClinVar aggregate classification (germline): Uncertain significance (0 of 4 stars; one submission).

Submission:

Department of Pathology and Laboratory Medicine, Sinai Health System
Classification: Uncertain significance. Review status: no assertion criteria provided. Collection method: clinical testing. Allele origin: unknown. Affected: yes. Study: The Canadian Open Genetics Repository (COGR).
Comment: The HADH p.Met38Val variant was not identified in the literature nor was it identified in dbSNP, ClinVar, Cosmic, LOVD 3.0 or in the following control databases: the 1000 Genomes Project, the NHLBI GO Exome Sequencing Project, the Exome Aggregation Consortium (August 8th 2016), or the Genome Aggregation Database (Feb 27, 2017). The p.Met38 residue is not conserved in mammals and computational analyses (PolyPhen-2, SIFT, AlignGVGD, BLOSUM, MutationTaster) provide inconsistent predictions regarding the impact to the protein; this information is not very predictive of pathogenicity. The variant occurs outside of the splicing consensus sequence and 3 of 4 in silico or computational prediction software programs (SpliceSiteFinder, MaxEntScan, GeneSplicer) predict a greater than 10% difference in splicing with the creation of a new 5' splice site. However, this information is not predictive enough to assume pathogenicity. In summary, based on the above information the clinical significance of this variant cannot be determined with certainty at this time. This variant is classified as a variant of uncertain significance.